The following is an entry in ClinVar:

ClinVar aggregate classification (germline): Benign (1 of 4 stars; one submission).

Conditions:
Auriculocondylar syndrome 2 (ARCND2A). Also called: AURICULOCONDYLAR SYNDROME 2A. Identifiers: Orphanet 137888, MedGen C3553404, MONDO:0013845, OMIM 614669.

Allele frequency attached by ClinVar (database versions not stated): ExAC 0.00017; gnomAD exomes 0.00018 and 0.00035; TOPMed 0.00018; gnomAD 0.00023 and 0.00024; ESP Exome Variant Server 0.00031.
gnomAD v4.1: 537 of 1,612,352 alleles (0.033%); highest among the groups gnomAD compares: Non-Finnish European, 0.041%; 1 homozygote.

Submission:

Illumina Laboratory Services, Illumina
Classification: Benign for Auriculocondylar syndrome 2. Last evaluated: 2018-01-12. Review status: criteria provided, single submitter. Criteria: ICSL Variant Classification Criteria 13 December 2019. Collection method: clinical testing. Allele origin: germline.
Comment: This variant was observed in the ICSL laboratory as part of a predisposition screen in an ostensibly healthy population. It had not been previously curated by ICSL or reported in the Human Gene Mutation Database (HGMD: prior to June 1st, 2018), and was therefore a candidate for classification through an automated scoring system. Utilizing variant allele frequency, disease prevalence and penetrance estimates, and inheritance mode, an automated score was calculated to assess if this variant is too frequent to cause the disease. Based on the score and internal cut-off values, a variant classified as benign is not then subjected to further curation. The score for this variant resulted in a classification of benign for this disease.

NM_001377142.1(PLCB4):c.421G>A (p.Val141Ile)

Gene: PLCB4 (phospholipase C beta 4; plus strand). Cytogenetic location: 20p12.2.
Variant type: single nucleotide variant.
Coding change: c.421G>A on transcript NM_001377142.1 (MANE Select); coding-DNA position 421, G replaced by A.
Protein change: p.Val141Ile; replaces valine 141 with isoleucine.
Molecular consequence: missense variant.
Genome position (GRCh38, 1-based): chr20:9,362,947, G>A. VCF-style: chr20-9362947-G-A. GRCh37 (hg19) VCF-style: chr20-9343594-G-A.
Other names: c.421G>A, p.Val141Ile (NM_000933.4, NM_001172646.2, NM_001377134.2 and 4 more transcripts); short protein forms V141I.
Identifiers: ClinVar variation 898789 (VCV000898789.4), dbSNP rs144345083, ClinGen allele CA9760806.
Genomic context (GRCh38, chr20:9,362,947, plus strand): 5'-CTCTTTCAGCAATGGGTAGAAGGCCTGAGATCAATCATACACAACTTCAGGGCCAACAAC[G>A]TCAGTCCAATGACATGCCTCAAGAAACAGTGAGTGTTGTTTGCATTACTCGTTTTTCTTG-3'
Protein context (NP_001364071.1, residues 131-151): SIIHNFRANN[Val141Ile]SPMTCLKKHW